The following is an entry in ClinVar:

NM_030665.4(RAI1):c.3271G>C (p.Ala1091Pro)

Gene: RAI1 (retinoic acid induced 1; plus strand). Cytogenetic location: 17p11.2.
Variant type: single nucleotide variant.
Coding change: c.3271G>C on transcript NM_030665.4 (MANE Select); coding-DNA position 3271, G replaced by C.
Protein change: p.Ala1091Pro; replaces alanine 1091 with proline.
Molecular consequence: missense variant.
Genome position (GRCh38, 1-based): chr17:17,796,219, G>C. VCF-style: chr17-17796219-G-C. GRCh37 (hg19) VCF-style: chr17-17699533-G-C.
Other names: short protein forms A1091P.
Identifiers: ClinVar variation 2842564 (VCV002842564.3), dbSNP rs745814214, ClinGen allele CA398553238.
Genomic context (GRCh38, chr17:17,796,219, plus strand): 5'-CCCCCAGGCCTGACCACCACCCCTGCACCCCCAGACAAACTGGGGGGCAAGCAGCGAGCC[G>C]CCTTCAAGTCGGGCAAGCGGGTGGGGAAGCCCTCACCCAAGGCTGCCTCCAGCCCCAGCA-3'
Protein context (NP_109590.3, residues 1081-1101): PDKLGGKQRA[Ala1091Pro]FKSGKRVGKP

ClinVar aggregate classification (germline): Uncertain significance (1 of 4 stars; one submission).

Submission:

Labcorp Genetics (formerly Invitae), Labcorp
Classification: Uncertain significance. Last evaluated: 2023-04-30. Review status: criteria provided, single submitter. Criteria: Invitae Variant Classification Sherloc (09022015). Collection method: clinical testing. Allele origin: germline.
Comment: This sequence change replaces alanine, which is neutral and non-polar, with proline, which is neutral and non-polar, at codon 1091 of the RAI1 protein (p.Ala1091Pro). This variant is not present in population databases (gnomAD no frequency). This variant has not been reported in the literature in individuals affected with RAI1-related conditions. Advanced modeling of protein sequence and biophysical properties (such as structural, functional, and spatial information, amino acid conservation, physicochemical variation, residue mobility, and thermodynamic stability) performed at Invitae indicates that this missense variant is not expected to disrupt RAI1 protein function. In summary, the available evidence is currently insufficient to determine the role of this variant in disease. Therefore, it has been classified as a Variant of Uncertain Significance.